The following is an entry in ClinVar:

ClinVar aggregate classification (germline): Uncertain significance. Review status: criteria provided, multiple submitters, no conflicts (2 of 4 stars). 2 submissions from 2 submitters: Uncertain significance (2). Last evaluated 2025-03-28.

Conditions:
Progressive sclerosing poliodystrophy (MTDPS4A). Also called: ALPERS DIFFUSE DEGENERATION OF CEREBRAL GRAY MATTER WITH HEPATIC CIRRHOSIS; Alpers-Huttenlocher Syndrome; ALPERS PROGRESSIVE INFANTILE POLIODYSTROPHY; NEURONAL DEGENERATION OF CHILDHOOD WITH LIVER DISEASE, PROGRESSIVE; Mitochondrial DNA Depletion Syndrome 4A; Alpers-Huttenlocher Syndrome (AHS). Identifiers: Orphanet 726, MedGen C0205710, MONDO:0008758, OMIM 203700.

Allele frequency attached by ClinVar (database versions not stated): TOPMed below 0.00001; gnomAD 0.00001; gnomAD exomes 0.00001; ExAC 0.00002.
gnomAD v4.1: 7 of 1,613,998 alleles (0.00043%); highest among the groups gnomAD compares: African/African-American, 0.004%; no homozygotes.

Submissions (2):

Labcorp Genetics (formerly Invitae), Labcorp
Classification: Uncertain significance for Progressive sclerosing poliodystrophy. Last evaluated: 2025-03-28. Review status: criteria provided, single submitter. Criteria: Invitae Variant Classification Sherloc (09022015). Collection method: clinical testing. Allele origin: germline.
Comment: This sequence change replaces isoleucine, which is neutral and non-polar, with threonine, which is neutral and polar, at codon 278 of the POLG protein (p.Ile278Thr). This variant is present in population databases (rs779502496, gnomAD 0.008%). This variant has not been reported in the literature in individuals affected with POLG-related conditions. ClinVar contains an entry for this variant (Variation ID: 206566). Invitae Evidence Modeling of protein sequence and biophysical properties (such as structural, functional, and spatial information, amino acid conservation, physicochemical variation, residue mobility, and thermodynamic stability) has been performed for this missense variant. However, the output from this modeling did not meet the statistical confidence thresholds required to predict the impact of this variant on POLG protein function. In summary, the available evidence is currently insufficient to determine the role of this variant in disease. Therefore, it has been classified as a Variant of Uncertain Significance.

GeneDx
Classification: Uncertain significance. Last evaluated: 2013-04-16. Review status: criteria provided, single submitter. Criteria: GeneDx Variant Classification (06012015). Collection method: clinical testing. Allele origin: germline. Affected: yes.
Comment: p.Ile278Thr (ATC>ACC): c.833 T>C in exon 3 of the POLG gene (NM_002693.2). The Ile278Thr missense change has not been published as a mutation, nor has it been reported as a benign polymorphism to our knowledge. It was not observed in approximately 6,500 individuals of European and African American ancestry in the NHLBI Exome Sequencing Project or among the various ethnic groups studied in the 1000 Genomes Project, indicating it is not a common benign variant in these populations. The amino acid substitution is non-conservative as a non-polar Isoleucine residue is replaced by a polar Threonine residue. The variant is found in INFANT-EPI panel(s).

NM_002693.3(POLG):c.833T>C (p.Ile278Thr)

Gene: POLG (DNA polymerase gamma, catalytic subunit; minus strand). Cytogenetic location: 15q26.1.
Variant type: single nucleotide variant.
Coding change: c.833T>C on transcript NM_002693.3 (MANE Select); coding-DNA position 833, T replaced by C.
Protein change: p.Ile278Thr; replaces isoleucine 278 with threonine.
Molecular consequence: missense variant.
Genome position (GRCh38, 1-based): chr15:89,330,103, A>G on the plus strand (T>C on the coding strand, the complement: POLG is on the minus strand). VCF-style: chr15-89330103-A-G. GRCh37 (hg19) VCF-style: chr15-89873334-A-G.
Other names: p.I278T:ATC>ACC; c.833T>C, p.Ile278Thr (NM_001126131.2); short protein forms I278T.
Identifiers: ClinVar variation 206566 (VCV000206566.8), dbSNP rs779502496, ClinGen allele CA316776.